The following is an entry in ClinVar:

NM_001164688.2(RD3):c.101C>T (p.Thr34Met)

Gene: RD3 (RD3 regulator of GUCY2D; minus strand). Cytogenetic location: 1q32.3.
Variant type: single nucleotide variant.
Coding change: c.101C>T on transcript NM_001164688.2 (MANE Select); coding-DNA position 101, C replaced by T.
Protein change: p.Thr34Met; replaces threonine 34 with methionine.
Molecular consequence: missense variant.
Genome position (GRCh38, 1-based): chr1:211,481,315, G>A on the plus strand (C>T on the coding strand, the complement: RD3 is on the minus strand). VCF-style: chr1-211481315-G-A. GRCh37 (hg19) VCF-style: chr1-211654657-G-A.
Other names: c.101C>T, p.Thr34Met (NM_183059.3); short protein forms T34M.
Identifiers: ClinVar variation 1054953 (VCV001054953.5), dbSNP rs148242709, ClinGen allele CA1381157.

ClinVar aggregate classification (germline): Conflicting classifications of pathogenicity. Review status: criteria provided, conflicting classifications (1 of 4 stars). 2 submissions from 2 submitters: Uncertain significance (1); Benign (1). Last evaluated 2024-11-06.

Conditions:
Leber congenital amaurosis 12 (LCA12). Identifiers: Orphanet 65, MedGen C1857743, MONDO:0012525, OMIM 610612.

Allele frequency attached by ClinVar (database versions not stated): TOPMed 0.00018; gnomAD 0.00019 and 0.00026; gnomAD exomes 0.00022; ExAC 0.00028; ESP Exome Variant Server 0.00031; 1000 Genomes Project 0.00080; 1000 Genomes Project 30x 0.00094.

Submissions (2):

Blueprint Genetics
Classification: Benign. Last evaluated: 2024-11-06. Review status: criteria provided, single submitter. Criteria: ACMG Guidelines, 2015. Collection method: clinical testing. Allele origin: germline.

Labcorp Genetics (formerly Invitae), Labcorp
Classification: Uncertain significance for Leber congenital amaurosis 12. Last evaluated: 2022-11-01. Review status: criteria provided, single submitter. Criteria: Invitae Variant Classification Sherloc (09022015). Collection method: clinical testing. Allele origin: germline.
Comment: This sequence change replaces threonine, which is neutral and polar, with methionine, which is neutral and non-polar, at codon 34 of the RD3 protein (p.Thr34Met). This variant is present in population databases (rs148242709, gnomAD 0.1%). This missense change has been observed in individual(s) with RD3-related conditions (PMID: 23301801). ClinVar contains an entry for this variant (Variation ID: 1054953). Algorithms developed to predict the effect of missense changes on protein structure and function (SIFT, PolyPhen-2, Align-GVGD) all suggest that this variant is likely to be tolerated. In summary, the available evidence is currently insufficient to determine the role of this variant in disease. Therefore, it has been classified as a Variant of Uncertain Significance.

Literature cited by the submitters: PubMed 23301801 (cited by Labcorp Genetics (formerly Invitae), Labcorp).